The following is an entry in ClinVar:

NM_001371986.1(UNC80):c.2608A>G (p.Met870Val)

Gene: UNC80 (unc-80 homolog, NALCN channel complex subunit; plus strand). Cytogenetic location: 2q34.
Variant type: single nucleotide variant.
Coding change: c.2608A>G on transcript NM_001371986.1 (MANE Select); coding-DNA position 2608, A replaced by G.
Protein change: p.Met870Val; replaces methionine 870 with valine.
Molecular consequence: missense variant.
Genome position (GRCh38, 1-based): chr2:209,829,361, A>G. VCF-style: chr2-209829361-A-G. GRCh37 (hg19) VCF-style: chr2-210694085-A-G.
Other names: c.2608A>G, p.Met870Val (NM_032504.2); c.2593A>G, p.Met865Val (NM_182587.4); short protein forms M870V, M865V.
Identifiers: ClinVar variation 1525485 (VCV001525485.3), dbSNP rs1257866838, ClinGen allele CA350137796.

ClinVar aggregate classification (germline): Uncertain significance (1 of 4 stars; one submission).

Allele frequency attached by ClinVar (database versions not stated): gnomAD exomes 0.00001 and 0.00002; gnomAD 0.00003; TOPMed 0.00003.
gnomAD v4.1: 25 of 1,551,144 alleles (0.0016%); highest among the groups gnomAD compares: African/African-American, 0.0041%; no homozygotes.

Submission:

Labcorp Genetics (formerly Invitae), Labcorp
Classification: Uncertain significance. Last evaluated: 2022-02-28. Review status: criteria provided, single submitter. Criteria: Invitae Variant Classification Sherloc (09022015). Collection method: clinical testing. Allele origin: germline.
Comment: This sequence change replaces methionine, which is neutral and non-polar, with valine, which is neutral and non-polar, at codon 870 of the UNC80 protein (p.Met870Val). This variant is present in population databases (no rsID available, gnomAD 0.006%). This variant has not been reported in the literature in individuals affected with UNC80-related conditions. Algorithms developed to predict the effect of missense changes on protein structure and function are either unavailable or do not agree on the potential impact of this missense change (SIFT: "Not Available"; PolyPhen-2: "Possibly Damaging"; Align-GVGD: "Not Available"). In summary, the available evidence is currently insufficient to determine the role of this variant in disease. Therefore, it has been classified as a Variant of Uncertain Significance.